The following is an entry in ClinVar:

ClinVar aggregate classification (germline): Pathogenic (1 of 4 stars; one submission).

Conditions:
Lynch syndrome 5 (LYNCH5). Also called: Colorectal cancer, hereditary nonpolyposis, type 5; Hereditary non-polyposis colorectal cancer, type 5. Identifiers: Orphanet 144, MedGen C1833477, MONDO:0013710, OMIM 614350. Disease mechanism: loss of function.

Submission:

Myriad Genetics, Inc.
Classification: Pathogenic for Lynch syndrome 5. Last evaluated: 2023-08-24. Review status: criteria provided, single submitter. Criteria: Myriad Autosomal Dominant, Autosomal Recessive and X-Linked Classification Criteria (2023). Collection method: clinical testing. Allele origin: unknown.
Comment: This variant is considered pathogenic. This variant creates a frameshift predicted to result in premature protein truncation.

NM_000179.3(MSH6):c.3523del (p.Thr1175fs)

Gene: MSH6 (mutS homolog 6; plus strand). Cytogenetic location: 2p16.3.
Variant type: Deletion.
Coding change: c.3523del on transcript NM_000179.3 (MANE Select); coding-DNA position 3523, one base deleted (A; older notation c.3523delA).
Protein change: p.Thr1175fs; shifts the reading frame from threonine 1175.
Molecular consequence: frameshift variant. On other transcripts: non-coding transcript variant (4).
Genome position (GRCh38, 1-based): chr2:47,804,994, A deleted. VCF-style (leftmost placement, unchanged base first): chr2-47804993-TA-T. GRCh37 (hg19) VCF-style: chr2-48032132-TA-T.
Other names: c.3133del, p.Thr1045fs (NM_001281492.2); c.2617del, p.Thr873fs (NM_001281493.2, NM_001281494.2, NM_001406811.1 and 6 more transcripts); c.3619del, p.Thr1207fs (NM_001406795.1, NM_001406802.1); c.3523del, p.Thr1175fs (NM_001406796.1, NM_001406800.1, NM_001406808.1 and 1 more transcripts); c.3226del, p.Thr1076fs (NM_001406797.1, NM_001406801.1, NM_001406805.1 and 10 more transcripts); c.3349del, p.Thr1117fs (NM_001406798.1); c.2998del, p.Thr1000fs (NM_001406799.1, NM_001406806.1, NM_001406807.1); c.2659del, p.Thr887fs (NM_001406803.1); and 7 more; short protein forms T1000fs, T102fs, T1045fs, T1076fs, T1117fs, T1119fs, T1149fs, T1175fs.
Identifiers: ClinVar variation 2673698 (VCV002673698.1), dbSNP rs2530805064, ClinGen allele CA2695200567.